The following is an entry in ClinVar:

NM_144687.4(NLRP12):c.353T>C (p.Leu118Pro)

Gene: NLRP12 (NLR family pyrin domain containing 12; minus strand). Cytogenetic location: 19q13.42.
Variant type: single nucleotide variant.
Coding change: c.353T>C on transcript NM_144687.4 (MANE Select); coding-DNA position 353, T replaced by C.
Protein change: p.Leu118Pro; replaces leucine 118 with proline.
Molecular consequence: missense variant.
Genome position (GRCh38, 1-based): chr19:53,814,925, A>G on the plus strand (T>C on the coding strand, the complement: NLRP12 is on the minus strand). VCF-style: chr19-53814925-A-G. GRCh37 (hg19) VCF-style: chr19-54318179-A-G.
Other names: c.353T>C, p.Leu118Pro (NM_001277126.2, NM_001277129.1); short protein forms L118P.
Identifiers: ClinVar variation 3613062 (VCV003613062.2).

ClinVar aggregate classification (germline): Uncertain significance (1 of 4 stars; one submission).

Conditions:
Familial cold autoinflammatory syndrome 2 (FCAS2). Identifiers: Orphanet 247868, MedGen C2673198, MONDO:0012724, OMIM 611762.

gnomAD v4.1: 3 of 1,613,866 alleles (0.00019%); highest among the groups gnomAD compares: Middle Eastern, 0.016%; no homozygotes.

Submission:

Labcorp Genetics (formerly Invitae), Labcorp
Classification: Uncertain significance for Familial cold autoinflammatory syndrome 2. Last evaluated: 2025-06-01. Review status: criteria provided, single submitter. Criteria: Invitae Variant Classification Sherloc (09022015). Collection method: clinical testing. Allele origin: germline.
Comment: This sequence change replaces leucine, which is neutral and non-polar, with proline, which is neutral and non-polar, at codon 118 of the NLRP12 protein (p.Leu118Pro). This variant is not present in population databases (gnomAD no frequency). This variant has not been reported in the literature in individuals affected with NLRP12-related conditions. ClinVar contains an entry for this variant (Variation ID: 3613062). An algorithm developed to predict the effect of missense changes on protein structure and function outputs the following: PolyPhen-2: "Benign". The proline amino acid residue is found in multiple mammalian species, which suggests that this missense change does not adversely affect protein function. In summary, the available evidence is currently insufficient to determine the role of this variant in disease. Therefore, it has been classified as a Variant of Uncertain Significance.